The following is an entry in ClinVar:

ClinVar aggregate classification (germline): Uncertain significance (1 of 4 stars; one submission).

Conditions:
Amyotrophic lateral sclerosis type 4 (ALS4). Also called: NEURONOPATHY, DISTAL HEREDITARY MOTOR, WITH PYRAMIDAL FEATURES; AMYOTROPHIC LATERAL SCLEROSIS 4, JUVENILE. Identifiers: Orphanet 357043, MedGen C1865409, MONDO:0011223, OMIM 602433.
Spinocerebellar ataxia, autosomal recessive, with axonal neuropathy 2 (SCAN2). Also called: ATAXIA-OCULOMOTOR APRAXIA 2; Ataxia with Oculomotor Apraxia; Ataxia-ocular apraxia-2; Ataxia with Oculomotor Apraxia Type 2. Identifiers: Orphanet 64753, MedGen C1853761, MONDO:0018996, OMIM 606002.

Submission:

Labcorp Genetics (formerly Invitae), Labcorp
Classification: Uncertain significance for Amyotrophic lateral sclerosis type 4; Spinocerebellar ataxia, autosomal recessive, with axonal neuropathy 2. Last evaluated: 2021-08-13. Review status: criteria provided, single submitter. Criteria: Invitae Variant Classification Sherloc (09022015). Collection method: clinical testing. Allele origin: germline.
Comment: In summary, the available evidence is currently insufficient to determine the role of this variant in disease. Therefore, it has been classified as a Variant of Uncertain Significance. Advanced modeling of protein sequence and biophysical properties (such as structural, functional, and spatial information, amino acid conservation, physicochemical variation, residue mobility, and thermodynamic stability) performed at Invitae indicates that this missense variant is not expected to disrupt SETX protein function. This variant has not been reported in the literature in individuals affected with SETX-related conditions. This variant is not present in population databases (ExAC no frequency). This sequence change replaces phenylalanine with leucine at codon 879 of the SETX protein (p.Phe879Leu). The phenylalanine residue is weakly conserved and there is a small physicochemical difference between phenylalanine and leucine.

NM_015046.7(SETX):c.2635T>C (p.Phe879Leu)

Gene: SETX (senataxin; minus strand). Cytogenetic location: 9q34.13.
Variant type: single nucleotide variant.
Coding change: c.2635T>C on transcript NM_015046.7 (MANE Select); coding-DNA position 2635, T replaced by C.
Protein change: p.Phe879Leu; replaces phenylalanine 879 with leucine.
Molecular consequence: missense variant.
Genome position (GRCh38, 1-based): chr9:132,328,963, A>G on the plus strand (T>C on the coding strand, the complement: SETX is on the minus strand). VCF-style: chr9-132328963-A-G. GRCh37 (hg19) VCF-style: chr9-135204350-A-G.
Other names: c.2635T>C, p.Phe879Leu (NM_001351527.2, NM_001351528.2); short protein forms F879L.
Identifiers: ClinVar variation 1374777 (VCV001374777.6), dbSNP rs2131450530, ClinGen allele CA375334752.
Genomic context (GRCh38, chr9:132,328,963, plus strand): 5'-AAGGGATCAATTCTTTACCATCAACATGAAATTCCTGTATTTTACAATTGTTTTCATGGA[A>G]AGAGAAAATAACTAATTCTTCATTCTTTAATTGTTTCTCTTTTGGCAATACATTGTTTTG-3'
Protein context (NP_055861.3, residues 869-889): LKNEELVIFS[Phe879Leu]HENNCKIQEF